The following is an entry in ClinVar:

ClinVar aggregate classification (germline): Conflicting classifications of pathogenicity. Review status: criteria provided, conflicting classifications (1 of 4 stars). 2 submissions from 2 submitters: Uncertain significance (1); Benign (1). Last evaluated 2025-10-16.

Conditions:
Brachydactyly type A1. Also called: FARABEE-TYPE BRACHYDACTYLY; SHORT STATURE WITH NONSPECIFIC SKELETAL ABNORMALITIES 2. Identifiers: Orphanet 93388, MedGen C1862151, MONDO:0007215, OMIM 112500, HP:0009371.

Allele frequency attached by ClinVar (database versions not stated): TOPMed 0.00007; gnomAD 0.00008 and 0.00011; gnomAD exomes 0.00012; 1000 Genomes Project 30x 0.00016; 1000 Genomes Project 0.00020; ExAC 0.00027.
gnomAD v4.1: 120 of 1,581,850 alleles (0.0076%); highest among the groups gnomAD compares: East Asian, 0.21%; no homozygotes.

Submissions (2):

Labcorp Genetics (formerly Invitae), Labcorp
Classification: Uncertain significance. Last evaluated: 2025-10-16. Review status: criteria provided, single submitter. Criteria: Invitae Variant Classification Sherloc (09022015). Collection method: clinical testing. Allele origin: germline.
Comment: This sequence change replaces glycine, which is neutral and non-polar, with arginine, which is basic and polar, at codon 408 of the IHH protein (p.Gly408Arg). This variant is present in population databases (rs200216644, gnomAD 0.05%). This missense change has been observed in individuals with brachydactyly (PMID: 35846898; internal data). ClinVar contains an entry for this variant (Variation ID: 898206). An algorithm developed to predict the effect of missense changes on protein structure and function (PolyPhen-2) suggests that this variant is likely to be tolerated. In summary, the available evidence is currently insufficient to determine the role of this variant in disease. Therefore, it has been classified as a Variant of Uncertain Significance.

Illumina Laboratory Services, Illumina
Classification: Benign for Brachydactyly type A1. Last evaluated: 2018-01-12. Review status: criteria provided, single submitter. Criteria: ICSL Variant Classification Criteria 13 December 2019. Collection method: clinical testing. Allele origin: germline.
Comment: This variant was observed in the ICSL laboratory as part of a predisposition screen in an ostensibly healthy population. It had not been previously curated by ICSL or reported in the Human Gene Mutation Database (HGMD: prior to June 1st, 2018), and was therefore a candidate for classification through an automated scoring system. Utilizing variant allele frequency, disease prevalence and penetrance estimates, and inheritance mode, an automated score was calculated to assess if this variant is too frequent to cause the disease. Based on the score and internal cut-off values, a variant classified as benign is not then subjected to further curation. The score for this variant resulted in a classification of benign for this disease.

Literature cited by the submitters: PubMed 35846898 (cited by Labcorp Genetics (formerly Invitae), Labcorp).

NM_002181.4(IHH):c.1222G>A (p.Gly408Arg)

Gene: IHH (Indian hedgehog signaling molecule; minus strand). Cytogenetic location: 2q35.
Variant type: single nucleotide variant.
Coding change: c.1222G>A on transcript NM_002181.4 (MANE Select); coding-DNA position 1222, G replaced by A.
Protein change: p.Gly408Arg; replaces glycine 408 with arginine.
Molecular consequence: missense variant.
Genome position (GRCh38, 1-based): chr2:219,055,221, C>T on the plus strand (G>A on the coding strand, the complement: IHH is on the minus strand). VCF-style: chr2-219055221-C-T. GRCh37 (hg19) VCF-style: chr2-219919943-C-T.
Other names: short protein forms G408R.
Identifiers: ClinVar variation 898206 (VCV000898206.12), dbSNP rs200216644, ClinGen allele CA2116508.